The following is an entry in ClinVar:

ClinVar aggregate classification (germline): Uncertain significance. Review status: criteria provided, multiple submitters, no conflicts (2 of 4 stars). 2 submissions from 2 submitters: Uncertain significance (2). Last evaluated 2020-03-19.

Conditions:
Inborn genetic diseases. Identifiers: MedGen C0950123, MeSH D030342.
Neuropathy, hereditary sensory, type 1F. Also called: Hereditary sensory neuropathy type IF; HSN IF. Identifiers: Orphanet 36386, MedGen C3810194, MONDO:0014286, OMIM 615632.

gnomAD v4.1: 2 of 1,614,122 alleles (0.00012%); highest among the groups gnomAD compares: Non-Finnish European, 0.00017%; no homozygotes.

Submissions (2):

Ambry Genetics
Classification: Uncertain significance for Inborn genetic diseases. Last evaluated: 2020-03-19. Review status: criteria provided, single submitter. Criteria: Ambry Variant Classification Scheme 2023. Collection method: clinical testing. Allele origin: germline.
Comment: The p.Y299F variant (also known as c.896A>T), located in coding exon 9 of the ATL3 gene, results from an A to T substitution at nucleotide position 896. The tyrosine at codon 299 is replaced by phenylalanine, an amino acid with highly similar properties. This amino acid position is poorly conserved in available vertebrate species. In addition, this alteration is predicted to be tolerated by in silico analysis. Since supporting evidence is limited at this time, the clinical significance of this alteration remains unclear.

Labcorp Genetics (formerly Invitae), Labcorp
Classification: Uncertain significance for Neuropathy, hereditary sensory, type 1F. Last evaluated: 2018-05-24. Review status: criteria provided, single submitter. Criteria: Invitae Variant Classification Sherloc (09022015). Collection method: clinical testing. Allele origin: germline.
Comment: In summary, the available evidence is currently insufficient to determine the role of this variant in disease. Therefore, it has been classified as a Variant of Uncertain Significance. Algorithms developed to predict the effect of missense changes on protein structure and function output the following: SIFT: "Tolerated"; PolyPhen-2: "Benign"; Align-GVGD: "Class C0". The phenylalanine amino acid residue is found in multiple mammalian species, suggesting that this missense change does not adversely affect protein function. These predictions have not been confirmed by published functional studies and their clinical significance is uncertain. This variant has not been reported in the literature in individuals with ATL3-related disease. This variant is not present in population databases (ExAC no frequency). This sequence change replaces tyrosine with phenylalanine at codon 299 of the ATL3 protein (p.Tyr299Phe). The tyrosine residue is weakly conserved and there is a small physicochemical difference between tyrosine and phenylalanine.

NM_015459.5(ATL3):c.896A>T (p.Tyr299Phe)

Genes: LNCROPM (lncRNA regulator of PLAAT3 mediated phospholipid metabolism; plus strand), ATL3 (atlastin GTPase 3; minus strand). Cytogenetic location: 11q13.1.
Variant type: single nucleotide variant.
Coding change: c.896A>T on transcript NM_015459.5 (MANE Select); coding-DNA position 896, A replaced by T.
Protein change: p.Tyr299Phe; replaces tyrosine 299 with phenylalanine.
Molecular consequence: missense variant.
Genome position (GRCh38, 1-based): chr11:63,636,289, T>A on the plus strand (A>T on the coding strand, the complement: ATL3 is on the minus strand). VCF-style: chr11-63636289-T-A. GRCh37 (hg19) VCF-style: chr11-63403761-T-A.
Other names: c.842A>T, p.Tyr281Phe (NM_001290048.2); short protein forms Y299F, Y281F.
Identifiers: ClinVar variation 573714 (VCV000573714.10), dbSNP rs1565270878, ClinGen allele CA381026716.
Genomic context (GRCh38, chr11:63,636,289, plus strand): 5'-CGACAGGTGACCTTTGAGCCATTGATCTCCTTTTCCATTAACTTAGATGGGTTTAATACA[T>A]ACGGTATCAGTGCCTGTAACTGCTCTTTGAATTCACCAGCAATATCTGTTCACAGGACGA-3'
Protein context (NP_056274.3, residues 289-309): FKEQLQALIP[Tyr299Phe]VLNPSKLMEK